The following is an entry in ClinVar:

ClinVar aggregate classification (germline): Conflicting classifications of pathogenicity. Review status: criteria provided, conflicting classifications (1 of 4 stars). 3 submissions from 3 submitters: Uncertain significance (1); Benign (1). 1 of the submissions does not count toward it. Last evaluated 2023-11-01.

Conditions:
CHD3-related disorder. Also called: CHD3-related condition.
Snijders Blok-Campeau syndrome. Also called: INTELLECTUAL DEVELOPMENTAL DISORDER WITH MACROCEPHALY, SPEECH DELAY, AND DYSMORPHIC FACIES. Identifiers: Orphanet 599082, MedGen C4748701, MONDO:0032600, OMIM 618205.

Allele frequency attached by ClinVar (database versions not stated): ExAC 0.00032; gnomAD 0.00038; TOPMed 0.00039; 1000 Genomes Project 30x 0.00047; gnomAD exomes 0.00055; 1000 Genomes Project 0.00060; ESP Exome Variant Server 0.00069.

Submissions (5):

CeGaT Center for Human Genetics Tuebingen
Classification: Benign. Last evaluated: 2023-11-01. Review status: criteria provided, single submitter. Criteria: CeGaT Center For Human Genetics Tuebingen Variant Classification Criteria Version 2. Collection method: clinical testing. Allele origin: germline. Affected: yes. Observed: 1 variant allele.
Comment: CHD3: BP4, BS1, BS2

Revvity Omics, Revvity
Classification: Uncertain significance for Snijders Blok-Campeau syndrome. Last evaluated: 2019-08-07. Review status: criteria provided, single submitter. Criteria: ACMG Guidelines, 2015. Collection method: clinical testing. Allele origin: germline.

PreventionGenetics, part of Exact Sciences
Classification: Likely benign for CHD3-related condition. Last evaluated: 2023-10-10. Review status: no assertion criteria provided. Collection method: clinical testing. Allele origin: germline. Not counted in ClinVar's aggregate classification.
Comment: This variant is classified as likely benign based on ACMG/AMP sequence variant interpretation guidelines (Richards et al. 2015 PMID: 25741868, with internal and published modifications).

Dr. Peter K. Rogan Lab, Western University
No classification provided (evidence only). Condition: Lung cancer. Review status: no classification provided. Collection method: in vitro. Allele origin: not applicable. Functional consequence: retained intron. Not counted in ClinVar's aggregate classification.

Dr. Peter K. Rogan Lab, Western University
No classification provided (evidence only). Condition: Malignant tumor of esophagus. Review status: no classification provided. Collection method: in vitro. Allele origin: not applicable. Functional consequence: retained intron. Not counted in ClinVar's aggregate classification.

NM_001005273.3(CHD3):c.5027-3C>T

Gene: CHD3 (chromodomain helicase DNA binding protein 3; plus strand). Cytogenetic location: 17p13.1.
Variant type: single nucleotide variant.
Coding change: c.5027-3C>T on transcript NM_001005273.3 (MANE Select); 3 bases into the intron before coding-DNA position 5027, C replaced by T.
Molecular consequence: intron variant.
Genome position (GRCh38, 1-based): chr17:7,907,891, C>T. VCF-style: chr17-7907891-C-T. GRCh37 (hg19) VCF-style: chr17-7811209-C-T.
Other names: NC_000017.10:g.7811209C>T; c.5204-3C>T (NM_001005271.3, NM_001005271.2); c.4925-3C>T (NM_005852.4).
Identifiers: ClinVar variation 2439979 (VCV002439979.28), dbSNP rs200434912, ClinGen allele CA8363560.
Genomic context (GRCh38, chr17:7,907,891, plus strand): 5'-TAGTCTTGGGACCTGGGAGGAGGGTGTCCTGAGGTGTGAGCTTTGACCTGTCTGTCCTAG[C>T]AGAAGATGTAAAAGGTGACCGGGAGCTTCGACCAGGGCCTCGAGATGAGCCACGGTCCAA-3'